The following is an entry in ClinVar:

NM_006915.3(RP2):c.341G>T (p.Cys114Phe)

Gene: RP2 (RP2 activator of ARL3 GTPase; plus strand). Cytogenetic location: Xp11.3.
Variant type: single nucleotide variant.
Coding change: c.341G>T on transcript NM_006915.3 (MANE Select); coding-DNA position 341, G replaced by T.
Protein change: p.Cys114Phe; replaces cysteine 114 with phenylalanine.
Molecular consequence: missense variant.
Genome position (GRCh38, 1-based): chrX:46,853,714, G>T. VCF-style: chrX-46853714-G-T. GRCh37 (hg19) VCF-style: chrX-46713149-G-T.
Other names: short protein forms C114F.
Identifiers: ClinVar variation 3655262 (VCV003655262.2).
Genomic context (GRCh38, chrX:46,853,714, plus strand): 5'-GACCCGTGAAAGGCAGCGTGTTTTTCCGGAATTGCAGAGATTGCAAGTGCACATTAGCCT[G>T]CCAACAATTTCGTGTGCGAGATTGTAGAAAGCTGGAAGTCTTTTTGTGTTGTGCCACTCA-3'
Protein context (NP_008846.2, residues 104-124): NCRDCKCTLA[Cys114Phe]QQFRVRDCRK

ClinVar aggregate classification (germline): Uncertain significance (1 of 4 stars; one submission).

Submission:

Labcorp Genetics (formerly Invitae), Labcorp
Classification: Uncertain significance. Last evaluated: 2024-06-01. Review status: criteria provided, single submitter. Criteria: Invitae Variant Classification Sherloc (09022015). Collection method: clinical testing. Allele origin: germline.
Comment: This sequence change replaces cysteine, which is neutral and slightly polar, with phenylalanine, which is neutral and non-polar, at codon 114 of the RP2 protein (p.Cys114Phe). This variant is not present in population databases (gnomAD no frequency). This variant has not been reported in the literature in individuals affected with RP2-related conditions. Advanced modeling of protein sequence and biophysical properties (such as structural, functional, and spatial information, amino acid conservation, physicochemical variation, residue mobility, and thermodynamic stability) has been performed at Invitae for this missense variant, however the output from this modeling did not meet the statistical confidence thresholds required to predict the impact of this variant on RP2 protein function. In summary, the available evidence is currently insufficient to determine the role of this variant in disease. Therefore, it has been classified as a Variant of Uncertain Significance.